The following is an entry in ClinVar:

NM_001277115.2(DNAH11):c.12188T>G (p.Phe4063Cys)

Gene: DNAH11 (dynein axonemal heavy chain 11; plus strand). Cytogenetic location: 7p15.3.
Variant type: single nucleotide variant.
Coding change: c.12188T>G on transcript NM_001277115.2 (MANE Select); coding-DNA position 12188, T replaced by G.
Protein change: p.Phe4063Cys; replaces phenylalanine 4063 with cysteine.
Molecular consequence: missense variant.
Genome position (GRCh38, 1-based): chr7:21,873,494, T>G. VCF-style: chr7-21873494-T-G. GRCh37 (hg19) VCF-style: chr7-21913112-T-G.
Other names: c.12209T>G, p.Phe4070Cys (NM_003777.3); short protein forms F4063C, F4070C.
Identifiers: ClinVar variation 3221482 (VCV003221482.1), dbSNP rs1288167085, ClinGen allele CA366963411.
Genomic context (GRCh38, chr7:21,873,494, plus strand): 5'-AGATCACTAATGAACCCCCAACAGGGATGCTGGCCAATTTGCATGCCGCCCTGTACAACT[T>G]TGATCAGGTAAGAAAGCGAAGCAGGCTAGGCAGACAATGAAGTCAGAGTCATCTCACAAG-3'
Protein context (NP_001264044.1, residues 4053-4073): LANLHAALYN[Phe4063Cys]DQDTLEICSK

ClinVar aggregate classification (germline): Uncertain significance (1 of 4 stars; one submission).

Conditions:
Primary ciliary dyskinesia. Also called: Ciliary dyskinesia. Identifiers: Orphanet 244, MedGen C0008780, MONDO:0016575, HP:0012265.

Allele frequency attached by ClinVar (database versions not stated): gnomAD exomes below 0.00001; TOPMed below 0.00001.
gnomAD v4.1: 4 of 1,613,762 alleles (0.00025%); highest among the groups gnomAD compares: Non-Finnish European, 0.00034%; no homozygotes.

Submission:

Ambry Genetics
Classification: Uncertain significance for Primary ciliary dyskinesia. Last evaluated: 2024-02-26. Review status: criteria provided, single submitter. Criteria: Ambry Variant Classification Scheme 2023. Collection method: clinical testing. Allele origin: germline.
Comment: The p.F4063C variant (also known as c.12188T>G), located in coding exon 74 of the DNAH11 gene, results from a T to G substitution at nucleotide position 12188. The phenylalanine at codon 4063 is replaced by cysteine, an amino acid with highly dissimilar properties. This amino acid position is conserved. In addition, the in silico prediction for this alteration is inconclusive. Based on the available evidence, the clinical significance of this alteration remains unclear.